The following is an entry in ClinVar:

ClinVar aggregate classification (germline): Uncertain significance (1 of 4 stars; one submission).

Allele frequency attached by ClinVar (database versions not stated): gnomAD exomes 0.00001.
gnomAD v4.1: 3 of 1,614,156 alleles (0.00019%); highest among the groups gnomAD compares: Non-Finnish European, 0.00025%; no homozygotes.

Submission:

Institute for Clinical Genetics, University Hospital TU Dresden, University Hospital TU Dresden
Classification: Uncertain significance. Last evaluated: 2022-04-08. Review status: criteria provided, single submitter. Criteria: ACMG Guidelines, 2015. Collection method: clinical testing. Allele origin: paternal.
Comment: PP3

NM_003906.5(MCM3AP):c.2317A>G (p.Lys773Glu)

Gene: MCM3AP (minichromosome maintenance complex component 3 associated protein; minus strand). Cytogenetic location: 21q22.3.
Variant type: single nucleotide variant.
Coding change: c.2317A>G on transcript NM_003906.5 (MANE Select); coding-DNA position 2317, A replaced by G.
Protein change: p.Lys773Glu; replaces lysine 773 with glutamic acid.
Molecular consequence: missense variant.
Genome position (GRCh38, 1-based): chr21:46,272,709, T>C on the plus strand (A>G on the coding strand, the complement: MCM3AP is on the minus strand). VCF-style: chr21-46272709-T-C. GRCh37 (hg19) VCF-style: chr21-47692623-T-C.
Other names: short protein forms K773E.
Identifiers: ClinVar variation 2576046 (VCV002576046.1), dbSNP rs2081196817, ClinGen allele CA410524213.